The following is an entry in ClinVar:

ClinVar aggregate classification (germline): Uncertain significance (1 of 4 stars; one submission).

Submission:

GeneDx
Classification: Uncertain significance. Last evaluated: 2023-06-30. Review status: criteria provided, single submitter. Criteria: GeneDx Variant Classification Process June 2021. Collection method: clinical testing. Allele origin: germline. Affected: yes.
Comment: Not observed at significant frequency in large population cohorts (gnomAD); In silico analysis supports that this missense variant has a deleterious effect on protein structure/function; Has not been previously published as pathogenic or benign to our knowledge

NM_006796.3(AFG3L2):c.1558G>C (p.Asp520His)

Gene: AFG3L2 (AFG3 like matrix AAA peptidase subunit 2; minus strand). Cytogenetic location: 18p11.21.
Variant type: single nucleotide variant.
Coding change: c.1558G>C on transcript NM_006796.3 (MANE Select); coding-DNA position 1558, G replaced by C.
Protein change: p.Asp520His; replaces aspartic acid 520 with histidine.
Molecular consequence: missense variant.
Genome position (GRCh38, 1-based): chr18:12,348,378, C>G on the plus strand (G>C on the coding strand, the complement: AFG3L2 is on the minus strand). VCF-style: chr18-12348378-C-G. GRCh37 (hg19) VCF-style: chr18-12348377-C-G.
Other names: short protein forms D520H.
Identifiers: ClinVar variation 3360502 (VCV003360502.1).